The following is an entry in ClinVar:

ClinVar aggregate classification (germline): Uncertain significance. Review status: criteria provided, multiple submitters, no conflicts (2 of 4 stars). 2 submissions from 2 submitters: Uncertain significance (2). Last evaluated 2025-06-01.

Allele frequency attached by ClinVar (database versions not stated): ExAC 0.00001.

Submissions (2):

CeGaT Center for Human Genetics Tuebingen
Classification: Uncertain significance. Last evaluated: 2025-06-01. Review status: criteria provided, single submitter. Criteria: CeGaT Center For Human Genetics Tuebingen Variant Classification Criteria Version 2. Collection method: clinical testing. Allele origin: germline. Affected: yes. Observed: 1 variant allele.
Comment: CDH23: PM2, PM3:Supporting

Labcorp Genetics (formerly Invitae), Labcorp
Classification: Uncertain significance. Last evaluated: 2023-09-06. Review status: criteria provided, single submitter. Criteria: Invitae Variant Classification Sherloc (09022015). Collection method: clinical testing. Allele origin: germline.
Comment: In summary, the available evidence is currently insufficient to determine the role of this variant in disease. Therefore, it has been classified as a Variant of Uncertain Significance. Advanced modeling of protein sequence and biophysical properties (such as structural, functional, and spatial information, amino acid conservation, physicochemical variation, residue mobility, and thermodynamic stability) has been performed at Invitae for this missense variant, however the output from this modeling did not meet the statistical confidence thresholds required to predict the impact of this variant on CDH23 protein function. This variant has not been reported in the literature in individuals affected with CDH23-related conditions. This variant is present in population databases (rs759019656, gnomAD 0.002%). This sequence change replaces glycine, which is neutral and non-polar, with valine, which is neutral and non-polar, at codon 1646 of the CDH23 protein (p.Gly1646Val).

NM_022124.6(CDH23):c.4937G>T (p.Gly1646Val)

Gene: CDH23 (cadherin related 23; plus strand). Cytogenetic location: 10q22.1.
Variant type: single nucleotide variant.
Coding change: c.4937G>T on transcript NM_022124.6 (MANE Select); coding-DNA position 4937, G replaced by T.
Protein change: p.Gly1646Val; replaces glycine 1646 with valine.
Molecular consequence: missense variant.
Genome position (GRCh38, 1-based): chr10:71,777,771, G>T. VCF-style: chr10-71777771-G-T. GRCh37 (hg19) VCF-style: chr10-73537528-G-T.
Other names: short protein forms G1646V.
Identifiers: ClinVar variation 2901101 (VCV002901101.9), dbSNP rs759019656, ClinGen allele CA5545590.